The following is an entry in ClinVar:

NM_001267550.2(TTN):c.91328G>A (p.Trp30443Ter)

Genes: TTN (titin; minus strand), TTN-AS1 (TTN antisense RNA 1; plus strand). Cytogenetic location: 2q31.2.
Variant type: single nucleotide variant.
Coding change: c.91328G>A on transcript NM_001267550.2 (MANE Select); coding-DNA position 91328, G replaced by A.
Protein change: p.Trp30443Ter; replaces tryptophan 30443 with a stop codon.
Molecular consequence: nonsense.
Genome position (GRCh38, 1-based): chr2:178,551,203, C>T on the plus strand (G>A on the coding strand, the complement: TTN is on the minus strand). VCF-style: chr2-178551203-C-T. GRCh37 (hg19) VCF-style: chr2-179415930-C-T.
Other names: c.86405G>A, p.Trp28802Ter (NM_001256850.1); c.64133G>A, p.Trp21378Ter (NM_003319.4); c.83624G>A, p.Trp27875Ter (NM_133378.4); c.64508G>A, p.Trp21503Ter (NM_133432.3); c.64709G>A, p.Trp21570Ter (NM_133437.4); short protein forms W21378*, W21570*, W28802*, W21503*, W27875*, W30443*.
Identifiers: ClinVar variation 3544407 (VCV003544407.2).

ClinVar aggregate classification (germline): Likely pathogenic (1 of 4 stars; one submission).

Conditions:
TTN-related cardiomyopathy.

Submission:

Molecular Genetics Laboratory, Motol Hospital
Classification: Likely pathogenic for TTN-related cardiomyopathy. Last evaluated: 2025-01-08. Review status: criteria provided, single submitter. Criteria: ACMG Guidelines, 2015. Collection method: clinical testing. Allele origin: germline. Affected: yes. Observed: 1 variant allele.
Comment: truncating (null) variant in a gene where loss of function is a known mechanism of a disease - TTN-related cardiomyopathy (PVS1), rare variant not present in general gnomAD population (v4.1.0) (PM2); ACMG PVS1, PM2